The following continues an entry in ClinVar:

NM_000492.4(CFTR):c.650A>G (p.Glu217Gly)

Gene: CFTR. ClinVar aggregate classification (germline): Conflicting classifications of pathogenicity. Uncertain significance (11); Benign (3); Likely benign (4).

Submissions 10 to 23 of 23:

ARUP Laboratories, Molecular Genetics and Genomics, ARUP Laboratories
Classification: Uncertain significance. Last evaluated: 2024-09-03. Review status: criteria provided, single submitter. Criteria: ARUP Molecular Germline Variant Investigation Process 2024. Collection method: clinical testing. Allele origin: germline.
Comment: The CFTR c.650A>G; p.Glu217Gly variant (rs121909046) is reported in the literature in patients affected with congenital bilateral absence of vas deferens (Cheng 2022, Fang 2022, Li 2012, Luo 2021), bronchiectasis (Guan 2018, Lee 2003), chronic pancreatitis (Masson 2013, Steiner 2011, Xiao 2017), or cystic fibrosis (Petrova 2020, Shen 2022). This variant is also reported in ClinVar database (Variation ID: 7238) and is found in the Finnish European population with an allele frequency of 3.5% (875/25118 alleles, including 25 homozygotes) in the Genome Aggregation Database (v2.1.1). Computational analyses are uncertain whether this variant is neutral or deleterious (REVEL: 0.546). However, functional analyses of the variant protein show reduced function in vitro (Hammerle 2001, Lee 2003). Due to conflicting information, the clinical significance of this variant is uncertain at this time. References: Cheng H et al. Genetic analysis and intracytoplasmic sperm injection outcomes of Chinese patients with congenital bilateral absence of vas deferens. J Assist Reprod Genet. 2022 Mar;39(3):719-728. PMID: 35119551. Fang J et al. Congenital absence of the vas deferens with hypospadias or without hypospadias: Phenotypic findings and genetic considerations. Front Genet. 2022 Nov 9;13:1035468. PMID: 36437957. Guan et al. Next-generation sequencing for identifying genetic mutations in adults with bronchiectasis. J Thorac Dis. 2018 May;10(5):2618-2630. PMID: 29997923. Hammerle MM et al. Disease-associated mutations in the extracytoplasmic loops of cystic fibrosis transmembrane conductance regulator do not impede biosynthetic processing but impair chloride channel stability. J Biol Chem. 2001 May 4;276(18):14848-54. PMID: 11278813. Lee JH et al. A haplotype-based molecular analysis of CFTR mutations associated with respiratory and pancreatic diseases. Hum Mol Genet. 2003 Sep 15;12(18):2321-32. PMID: 12952861. Li H et al. Mutations in the cystic fibrosis transmembrane conductance regulator (CFTR) in Chinese patients with congenital bilateral absence of vas deferens. J Cyst Fibros. 2012 11(4):316-23. PMID: 22483971. Luo et al. Mutation analysis of the cystic fibrosis transmembrane conductance regulator gene in Chinese congenital absence of vas deferens patients. Gene. 2021 Jan 10;765:145045. PMID: 32777524. Masson E et al. A conservative assessment of the major genetic causes of idiopathic chronic pancreatitis: data from a comprehensive analysis of PRSS1, SPINK1, CTRC and CFTR genes in 253 young French patients. PLoS One. 2013 8(8):e73522. PMID: 23951356. Petrova NV et al. Analysis of CFTR Mutation Spectrum in Ethnic Russian Cystic Fibrosis Patients. Genes (Basel). 2020 May 15;11(5):554. PMID: 32429104. Shen Y et al. Genetic spectrum of Chinese children with cystic fibrosis: comprehensive data analysis from the main referral centre in China. J Med Genet. 2022 Jul 20;60(3):310â€“5. PMID: 35858753. Steiner B et al . Common CFTR haplotypes and susceptibility to chronic pancreatitis and congenital bilateral absence of the vas deferens. Hum Mutat. 2011 32(8):912-20. PMID: 21520337. Xiao et al. Targeted Gene Next-Generation Sequencing in Chinese Children with Chronic Pancreatitis and Acute Recurrent Pancreatitis. J Pediatr. 2017 Dec;191:158-163.e3. PMID: 29173301.

Institute of Human Genetics, University of Leipzig Medical Center
Classification: Uncertain significance for Cystic fibrosis. Last evaluated: 2022-09-05. Review status: criteria provided, single submitter. Criteria: ACMG Guidelines, 2015. Collection method: curation. Allele origin: unknown. Affected: yes. Observed: 2 variant alleles.
Comment: This variant was identified in 2 unrelated patients with a clinically confirmed diagnosis of cystic fibrosis. The variant was classified in the context of a project re-classifying variants in the German Cystic Fibrosis Registry (Muko.e.V.). Criteria applied: PS3_MOD, PM3, BS2, BP2

Clinical Genetics Laboratory, Skane University Hospital Lund
Classification: Uncertain significance. Last evaluated: 2022-05-27. Review status: criteria provided, single submitter. Criteria: ACMG Guidelines, 2015. Collection method: clinical testing. Allele origin: germline. Affected: yes.

Genome-Nilou Lab
Classification: Uncertain significance for Cystic fibrosis. Last evaluated: 2021-06-10. Review status: criteria provided, single submitter. Criteria: ACMG Guidelines, 2015. Collection method: clinical testing. Allele origin: germline. Affected: no.

Mendelics
Classification: Uncertain significance for Cystic fibrosis. Last evaluated: 2019-05-28. Review status: criteria provided, single submitter. Criteria: Mendelics Assertion Criteria 2017. Collection method: clinical testing. Allele origin: unknown.

Eurofins Ntd Llc (ga)
Classification: Uncertain significance. Last evaluated: 2018-07-10. Review status: criteria provided, single submitter. Criteria: EGL ClinVar v180209 classification definitions. Collection method: clinical testing. Allele origin: germline. Observed: 5 variant alleles, 5 heterozygotes.

Ambry Genetics
Classification: Benign for Cystic fibrosis. Last evaluated: 2018-03-02. Review status: criteria provided, single submitter. Criteria: Ambry Variant Classification Scheme 2023. Collection method: clinical testing. Allele origin: germline.

Illumina Laboratory Services, Illumina
Classification: Likely benign for CFTR-Related Disorders. Last evaluated: 2017-04-27. Review status: criteria provided, single submitter. Criteria: ICSL Variant Classification Criteria 13 December 2019. Collection method: clinical testing. Allele origin: germline.
Comment: This variant was observed as part of a predisposition screen in an ostensibly healthy population. A literature search was performed for the gene, cDNA change, and amino acid change (where applicable). Publications were found based on this search. The evidence from the literature, in combination with allele frequency data from public databases where available, was sufficient to determine this variant is unlikely to cause disease. Therefore, this variant is classified as likely benign.

Soonchunhyang University Bucheon Hospital, Soonchunhyang University Medical Center
Classification: Uncertain significance for Cystic fibrosis. Last evaluated: 2016-03-18. Review status: criteria provided, single submitter. Criteria: ACMG Guidelines, 2015. Collection method: reference population. Allele origin: germline. Observed: 1 variant allele.

Genome Diagnostics Laboratory, The Hospital for Sick Children
Classification: Uncertain significance for CFTR-related disorders. Last evaluated: 2021-04-29. Review status: no assertion criteria provided. Collection method: clinical testing. Allele origin: germline. Not counted in ClinVar's aggregate classification.

Natera, Inc.
Classification: Uncertain significance for Cystic Fibrosis. Last evaluated: 2017-06-13. Review status: no assertion criteria provided. Collection method: clinical testing. Allele origin: germline. Not counted in ClinVar's aggregate classification.

OMIM
Classification: Pathogenic for CYSTIC FIBROSIS. Last evaluated: 2003-09-15. Review status: no assertion criteria provided. Collection method: literature only. Allele origin: germline. Not counted in ClinVar's aggregate classification.

Clinical Genetics DNA and cytogenetics Diagnostics Lab, Erasmus MC, Erasmus Medical Center
Classification: Likely benign. Review status: no assertion criteria provided. Collection method: clinical testing. Allele origin: germline. Affected: yes. Study: VKGL Data-share Consensus. Not counted in ClinVar's aggregate classification.

Diagnostic Laboratory, Department of Genetics, University Medical Center Groningen
Classification: Likely benign. Review status: no assertion criteria provided. Collection method: clinical testing. Allele origin: germline. Affected: yes. Study: VKGL Data-share Consensus. Not counted in ClinVar's aggregate classification.

Literature cited by the submitters: PubMed 31916691 (cited by 3 submitters); PubMed 32429104 (cited by 4 submitters); PubMed 38388235 (cited by 3 submitters); PubMed 12952861 (cited by 4 submitters); PubMed 16126774 (cited by Women's Health and Genetics/Laboratory Corporation of America, LabCorp); PubMed 17539902 (cited by Women's Health and Genetics/Laboratory Corporation of America, LabCorp); PubMed 18304229 (cited by Women's Health and Genetics/Laboratory Corporation of America, LabCorp); PubMed 16596947 (cited by Women's Health and Genetics/Laboratory Corporation of America, LabCorp); PubMed 15463840 (cited by Women's Health and Genetics/Laboratory Corporation of America, LabCorp); PubMed 11589722 (cited by Women's Health and Genetics/Laboratory Corporation of America, LabCorp); PubMed 20879059 (cited by Women's Health and Genetics/Laboratory Corporation of America, LabCorp); PubMed 21520337 (cited by 3 submitters); PubMed 22664493 (cited by Women's Health and Genetics/Laboratory Corporation of America, LabCorp); PubMed 11938439 (cited by Women's Health and Genetics/Laboratory Corporation of America, LabCorp); PubMed 22483971 (cited by 3 submitters); PubMed 11278813 (cited by 5 submitters); PubMed 17516627 (cited by Women's Health and Genetics/Laboratory Corporation of America, LabCorp); PubMed 24586523 (cited by 3 submitters); PubMed 26089335 (cited by 3 submitters); PubMed 27706244 (cited by Women's Health and Genetics/Laboratory Corporation of America, LabCorp); PubMed 26436105 (cited by Women's Health and Genetics/Laboratory Corporation of America, LabCorp and Mayo Clinic Laboratories, Mayo Clinic); PubMed 29307731 (cited by 3 submitters); PubMed 29997923 (cited by Women's Health and Genetics/Laboratory Corporation of America, LabCorp and Quest Diagnostics Nichols Institute San Juan Capistrano); PubMed 31245908 (cited by Women's Health and Genetics/Laboratory Corporation of America, LabCorp); PubMed 31882543 (cited by Women's Health and Genetics/Laboratory Corporation of America, LabCorp); PubMed 31423445 (cited by Women's Health and Genetics/Laboratory Corporation of America, LabCorp); PubMed 32777524 (cited by 3 submitters); PubMed 34426522 (cited by Women's Health and Genetics/Laboratory Corporation of America, LabCorp and Quest Diagnostics Nichols Institute San Juan Capistrano); PubMed 39529847 (cited by Women's Health and Genetics/Laboratory Corporation of America, LabCorp); PubMed 25192979 (cited by Mayo Clinic Laboratories, Mayo Clinic); PubMed 30548586 (cited by Mayo Clinic Laboratories, Mayo Clinic); PubMed 30992994 (cited by Mayo Clinic Laboratories, Mayo Clinic); PubMed 31350925 (cited by Mayo Clinic Laboratories, Mayo Clinic); PubMed 33572515 (cited by Mayo Clinic Laboratories, Mayo Clinic); PubMed 34155362 (cited by Mayo Clinic Laboratories, Mayo Clinic); PubMed 34405919 (cited by Mayo Clinic Laboratories, Mayo Clinic and Quest Diagnostics Nichols Institute San Juan Capistrano); PubMed 34557648 (cited by Mayo Clinic Laboratories, Mayo Clinic); PubMed 34673937 (cited by Mayo Clinic Laboratories, Mayo Clinic); PubMed 34860163 (cited by Mayo Clinic Laboratories, Mayo Clinic); PubMed 35313924 (cited by Mayo Clinic Laboratories, Mayo Clinic); PubMed 35858753 (cited by Mayo Clinic Laboratories, Mayo Clinic); PubMed 35913788 (cited by Mayo Clinic Laboratories, Mayo Clinic); PubMed 36409994 (cited by Mayo Clinic Laboratories, Mayo Clinic and Quest Diagnostics Nichols Institute San Juan Capistrano); PubMed 36437957 (cited by Mayo Clinic Laboratories, Mayo Clinic); PubMed 38248793 (cited by Mayo Clinic Laboratories, Mayo Clinic); PubMed 38392563 (cited by Mayo Clinic Laboratories, Mayo Clinic); PubMed 38978874 (cited by Mayo Clinic Laboratories, Mayo Clinic); PubMed 35119551 (cited by Quest Diagnostics Nichols Institute San Juan Capistrano); PubMed 29173301 (cited by Quest Diagnostics Nichols Institute San Juan Capistrano); PubMed 25087612 (cited by Quest Diagnostics Nichols Institute San Juan Capistrano); PubMed 23951356 (cited by Quest Diagnostics Nichols Institute San Juan Capistrano); PubMed 20558957 (cited by Illumina Laboratory Services, Illumina); PubMed 10922396 (cited by Illumina Laboratory Services, Illumina).